The following is an entry in ClinVar:

NM_138413.4(HOGA1):c.336C>G (p.Cys112Trp)

Gene: HOGA1 (4-hydroxy-2-oxoglutarate aldolase 1; plus strand). Cytogenetic location: 10q24.2.
Variant type: single nucleotide variant.
Coding change: c.336C>G on transcript NM_138413.4 (MANE Select); coding-DNA position 336, C replaced by G.
Protein change: p.Cys112Trp; replaces cysteine 112 with tryptophan.
Molecular consequence: missense variant. On other transcripts: intron variant (1).
Genome position (GRCh38, 1-based): chr10:97,598,899, C>G. VCF-style: chr10-97598899-C-G. GRCh37 (hg19) VCF-style: chr10-99358656-C-G.
Other names: c.212-2958C>G (NM_001134670.2); short protein forms C112W.
Identifiers: ClinVar variation 1502953 (VCV001502953.6), dbSNP rs763023538, ClinGen allele CA377977131.
Genomic context (GRCh38, chr10:97,598,899, plus strand): 5'-GGTGAGCCGTGTGCGCCAGGCCATGCCCAAGAACAGGCTCCTGCTAGCTGGCTCCGGATG[C>G]GAGTGTGAGCCAGAATGCCCTGGGCCCTGGGGGTGGGTGGATGTGCAGGATCCAGGCTCC-3'
Protein context (NP_612422.2, residues 102-122): KNRLLLAGSG[Cys112Trp]ESTQATVEMT

ClinVar aggregate classification (germline): Uncertain significance (1 of 4 stars; one submission).

Submission:

Labcorp Genetics (formerly Invitae), Labcorp
Classification: Uncertain significance. Last evaluated: 2021-11-11. Review status: criteria provided, single submitter. Criteria: Invitae Variant Classification Sherloc (09022015). Collection method: clinical testing. Allele origin: germline.
Comment: Advanced modeling of protein sequence and biophysical properties (such as structural, functional, and spatial information, amino acid conservation, physicochemical variation, residue mobility, and thermodynamic stability) performed at Invitae indicates that this missense variant is expected to disrupt HOGA1 protein function. This variant has not been reported in the literature in individuals affected with HOGA1-related conditions. This variant is not present in population databases (gnomAD no frequency). This sequence change replaces cysteine, which is neutral and slightly polar, with tryptophan, which is neutral and slightly polar, at codon 112 of the HOGA1 protein (p.Cys112Trp). In summary, the available evidence is currently insufficient to determine the role of this variant in disease. Therefore, it has been classified as a Variant of Uncertain Significance.